The following is an entry in ClinVar:

ClinVar aggregate classification (germline): Uncertain significance (1 of 4 stars; one submission).

Conditions:
Orofaciodigital syndrome I (OFD1). Also called: Papillon-Leage and Psaume Syndrome; Oral-Facial-Digital Syndrome Type I; OFDS I. Identifiers: Orphanet 2750, MedGen C1510460, MONDO:0010702, OMIM 311200.
Joubert syndrome. Also called: Familial aplasia of the vermis; CEREBELLOPARENCHYMAL DISORDER IV; JOUBERT-BOLTSHAUSER SYNDROME. Identifiers: Orphanet 475, MedGen C5979921, MONDO:0018772.

Allele frequency attached by ClinVar (database versions not stated): gnomAD exomes below 0.00001.
gnomAD v4.1: 1 of 1,211,421 alleles (0.000083%); highest among the groups gnomAD compares: South Asian, 0.0018%; no homozygotes.

Submission:

Labcorp Genetics (formerly Invitae), Labcorp
Classification: Uncertain significance for Orofaciodigital syndrome I; Joubert syndrome. Last evaluated: 2022-07-11. Review status: criteria provided, single submitter. Criteria: Invitae Variant Classification Sherloc (09022015). Collection method: clinical testing. Allele origin: germline.
Comment: In summary, the available evidence is currently insufficient to determine the role of this variant in disease. Therefore, it has been classified as a Variant of Uncertain Significance. This sequence change replaces arginine, which is basic and polar, with glycine, which is neutral and non-polar, at codon 907 of the OFD1 protein (p.Arg907Gly). This variant is not present in population databases (gnomAD no frequency). This variant has not been reported in the literature in individuals affected with OFD1-related conditions. ClinVar contains an entry for this variant (Variation ID: 578224). Algorithms developed to predict the effect of missense changes on protein structure and function are either unavailable or do not agree on the potential impact of this missense change (SIFT: "Deleterious"; PolyPhen-2: "Benign"; Align-GVGD: "Class C0").

NM_003611.3(OFD1):c.2719A>G (p.Arg907Gly)

Gene: OFD1 (OFD1 centriole and centriolar satellite protein; plus strand). Cytogenetic location: Xp22.2.
Variant type: single nucleotide variant.
Coding change: c.2719A>G on transcript NM_003611.3 (MANE Select); coding-DNA position 2719, A replaced by G.
Protein change: p.Arg907Gly; replaces arginine 907 with glycine.
Molecular consequence: missense variant.
Genome position (GRCh38, 1-based): chrX:13,767,246, A>G. VCF-style: chrX-13767246-A-G. GRCh37 (hg19) VCF-style: chrX-13785365-A-G.
Other names: c.2599A>G, p.Arg867Gly (NM_001330209.2); c.2299A>G, p.Arg767Gly (NM_001330210.2); short protein forms R907G, R767G, R867G.
Identifiers: ClinVar variation 578224 (VCV000578224.9), dbSNP rs1569163323, ClinGen allele CA412311880.